The following is an entry in ClinVar:

NM_000455.5(STK11):c.827G>T (p.Gly276Val)

Gene: STK11 (serine/threonine kinase 11; plus strand). Cytogenetic location: 19p13.3.
Variant type: single nucleotide variant.
Coding change: c.827G>T on transcript NM_000455.5 (MANE Select); coding-DNA position 827, G replaced by T.
Protein change: p.Gly276Val; replaces glycine 276 with valine.
Molecular consequence: missense variant.
Genome position (GRCh38, 1-based): chr19:1,221,305, G>T. VCF-style: chr19-1221305-G-T. GRCh37 (hg19) VCF-style: chr19-1221304-G-T.
Other names: short protein forms G276V.
Identifiers: ClinVar variation 403794 (VCV000403794.28), dbSNP rs749927908, ClinGen allele CA049046.

ClinVar aggregate classification (germline): Conflicting classifications of pathogenicity. Review status: criteria provided, conflicting classifications (1 of 4 stars). 10 submissions from 10 submitters: Uncertain significance (3); Benign (1); Likely benign (6). Last evaluated 2026-02-02.

Conditions:
STK11-related disorder. Also called: STK11-related condition.
Hereditary cancer-predisposing syndrome. Also called: Neoplastic Syndromes, Hereditary; Tumor predisposition; Hereditary Cancer Syndrome; Hereditary neoplastic syndrome. Identifiers: Orphanet 140162, MedGen C0027672, MeSH D009386, MONDO:0015356.
Peutz-Jeghers syndrome (PJS). Also called: Peutz-Jeghers polyposis; Periorificial lentiginosis syndrome; POLYPOSIS, HAMARTOMATOUS INTESTINAL; POLYPS-AND-SPOTS SYNDROME. Identifiers: Orphanet 2869, MedGen C0031269, MeSH D010580, MONDO:0008280, OMIM 175200.

Allele frequency attached by ClinVar (database versions not stated): ExAC 0.00001; TOPMed 0.00002; gnomAD 0.00003 and 0.00004.
gnomAD v4.1: 15 of 1,610,556 alleles (0.00093%); highest among the groups gnomAD compares: Admixed American, 0.02%; no homozygotes.

Submissions (10):

Labcorp Genetics (formerly Invitae), Labcorp
Classification: Likely benign for Peutz-Jeghers syndrome. Last evaluated: 2026-02-02. Review status: criteria provided, single submitter. Criteria: Invitae Variant Classification Sherloc (09022015). Collection method: clinical testing. Allele origin: germline.

PreventionGenetics, part of Exact Sciences
Classification: Likely benign for STK11-related condition. Last evaluated: 2025-12-30. Review status: criteria provided, single submitter. Criteria: ACMG Guidelines, 2015. Collection method: clinical testing. Allele origin: germline.
Comment: This variant is classified as likely benign based on ACMG/AMP sequence variant interpretation guidelines (Richards et al. 2015 PMID: 25741868, with internal and published modifications).

Myriad Genetics, Inc.
Classification: Likely benign for Peutz-Jeghers syndrome. Last evaluated: 2025-03-27. Review status: criteria provided, single submitter. Criteria: Myriad Autosomal Dominant, Autosomal Recessive and X-Linked Classification Criteria (2023). Collection method: clinical testing. Allele origin: unknown.
Comment: This variant is considered likely benign. Homozygosity has been confirmed in one or more individuals. As homozygosity for pathogenic variants in this gene is generally assumed to result in embryonic lethality, this variant is unlikely to be pathogenic.

Quest Diagnostics Nichols Institute San Juan Capistrano
Classification: Likely benign. Last evaluated: 2024-08-08. Review status: criteria provided, single submitter. Criteria: Quest Diagnostics criteria. Collection method: clinical testing. Allele origin: unknown.

Ambry Genetics
Classification: Benign for Hereditary cancer-predisposing syndrome. Last evaluated: 2022-10-17. Review status: criteria provided, single submitter. Criteria: Ambry Variant Classification Scheme 2023. Collection method: clinical testing. Allele origin: germline.

Sema4
Classification: Likely benign for Hereditary cancer-predisposing syndrome. Last evaluated: 2022-02-10. Review status: criteria provided, single submitter. Criteria: Sema4 Curation Guidelines. Collection method: curation. Allele origin: germline.

Genome-Nilou Lab
Classification: Uncertain significance for Peutz-Jeghers syndrome. Last evaluated: 2021-07-15. Review status: criteria provided, single submitter. Criteria: ACMG Guidelines, 2015. Collection method: clinical testing. Allele origin: germline. Affected: no.

Women's Health and Genetics/Laboratory Corporation of America, LabCorp
Classification: Uncertain significance. Last evaluated: 2020-09-14. Review status: criteria provided, single submitter. Criteria: LabCorp Variant Classification Summary - May 2015. Collection method: clinical testing. Allele origin: germline.
Comment: Variant summary: STK11 c.827G>T (p.Gly276Val) results in a non-conservative amino acid change located in the Protein kinase domain (IPR000719) of the encoded protein sequence. Three of five in-silico tools predict a benign effect of the variant on protein function. The variant allele was found at a frequency of 2.5e-05 in 243178 control chromosomes. The available data on variant occurrences in the general population are insufficient to allow any conclusion about variant significance. c.827G>T has been reported in the literature in at least one individual affected with colorectal cancer (Ricker_2017). This report does not provide unequivocal conclusions about association of the variant with Peutz-Jeghers Syndrome. Co-occurrence with another pathogenic variant has been reported in the literature (MLH1 c.1852_1854delAAG, p.Lys618del; Ricker_2017), providing supporting evidence for a benign role. To our knowledge, no experimental evidence demonstrating an impact on protein function has been reported. Four clinical diagnostic laboratories have submitted clinical-significance assessments for this variant to ClinVar after 2014 without evidence for independent evaluation, citing the variant as uncertain significance (n=3) and likely benign (n=1). Based on the evidence outlined above, the variant was classified as uncertain significance.

Color Diagnostics, LLC DBA Color Health
Classification: Likely benign for Hereditary cancer-predisposing syndrome. Last evaluated: 2020-03-09. Review status: criteria provided, single submitter. Criteria: ACMG Guidelines, 2015. Collection method: clinical testing. Allele origin: germline.

GeneDx
Classification: Uncertain significance. Last evaluated: 2019-07-22. Review status: criteria provided, single submitter. Criteria: GeneDx Variant Classification Process June 2021. Collection method: clinical testing. Allele origin: germline. Affected: yes.
Comment: Not observed at a significant frequency in large population cohorts (Lek et al., 2016); In silico analysis, which includes protein predictors and evolutionary conservation, supports that this variant does not alter protein structure/function; This variant is associated with the following publications: (PMID: 28069802, 28640387)

Literature cited by the submitters: PubMed 28640387 (cited by 3 submitters).